The following is an entry in ClinVar:

NM_001243925.2(MAPKAPK3):c.4del (p.Asp2fs)

Gene: MAPKAPK3 (MAPK activated protein kinase 3; plus strand). Cytogenetic location: 3p21.2.
Variant type: Deletion.
Coding change: c.4del on transcript NM_001243925.2 (MANE Select); coding-DNA position 4, one base deleted (G; older notation c.4delG).
Protein change: p.Asp2fs; shifts the reading frame from aspartic acid 2.
Molecular consequence: frameshift variant, initiator codon variant.
Genome position (GRCh38, 1-based): chr3:50,617,569, G deleted; the last of 2 consecutive G bases (chr3:50,617,568-50,617,569); deleting either gives the same sequence. VCF-style (leftmost placement, unchanged base first): chr3-50617567-TG-T. GRCh37 (hg19) VCF-style: chr3-50654998-TG-T.
Other names: c.4del, p.Asp2fs (NM_001243926.2, NM_004635.5); short protein forms D2fs.
Identifiers: ClinVar variation 3010585 (VCV003010585.3), dbSNP rs1457761846, ClinGen allele CA543054430.
Genomic context (GRCh38, chr3:50,617,567, plus strand): 5'-CCCCCAGGTGCCACTAGAAGCGCCAGGCTGGGGCCGCCTCTGAGCGCCCCGCGGGGGCCA[TG>T]GATGGTGAAACAGCAGAGGAGCAGGGGGGCCCTGTGCCCCCGCCAGTTGCACCCGGCGGA-3'

ClinVar aggregate classification (germline): Uncertain significance (1 of 4 stars; one submission).

Submission:

Labcorp Genetics (formerly Invitae), Labcorp
Classification: Uncertain significance. Last evaluated: 2023-12-21. Review status: criteria provided, single submitter. Criteria: Invitae Variant Classification Sherloc (09022015). Collection method: clinical testing. Allele origin: germline.
Comment: This sequence change creates a premature translational stop signal (p.Asp2Metfs*38) in the MAPKAPK3 gene. It is expected to result in an absent or disrupted protein product. However, the current clinical and genetic evidence is not sufficient to establish whether loss-of-function variants in MAPKAPK3 cause disease. This variant is present in population databases (no rsID available, gnomAD no frequency). This variant has not been reported in the literature in individuals affected with MAPKAPK3-related conditions. In summary, the available evidence is currently insufficient to determine the role of this variant in disease. Therefore, it has been classified as a Variant of Uncertain Significance.